The following is an entry in ClinVar:

NM_002439.5(MSH3):c.877C>A (p.His293Asn)

Gene: MSH3 (mutS homolog 3; plus strand). Cytogenetic location: 5q14.1.
Variant type: single nucleotide variant.
Coding change: c.877C>A on transcript NM_002439.5 (MANE Select); coding-DNA position 877, C replaced by A.
Protein change: p.His293Asn; replaces histidine 293 with asparagine.
Molecular consequence: missense variant.
Genome position (GRCh38, 1-based): chr5:80,672,328, C>A. VCF-style: chr5-80672328-C-A. GRCh37 (hg19) VCF-style: chr5-79968147-C-A.
Other names: short protein forms H293N.
Identifiers: ClinVar variation 3296310 (VCV003296310.1).
Genomic context (GRCh38, chr5:80,672,328, plus strand): 5'-TATTGCCATTTAGATCACAACTTTATGACAGCAAGTATACCTACTCACAGACTGTTTGTT[C>A]ATGTACGCCGCCTGGTGGCAAAAGGATATAAGGTCAGCTTTGGCTTTAACTTGTGGGGAA-3'
Protein context (NP_002430.3, residues 283-303): ASIPTHRLFV[His293Asn]VRRLVAKGYK

ClinVar aggregate classification (germline): Uncertain significance (1 of 4 stars; one submission).

Conditions:
Hereditary cancer-predisposing syndrome. Also called: Tumor predisposition; Hereditary Cancer Syndrome; Hereditary neoplastic syndrome; Neoplastic Syndromes, Hereditary. Identifiers: Orphanet 140162, MedGen C0027672, MeSH D009386, MONDO:0015356.

gnomAD v4.1: 8 of 1,613,836 alleles (0.0005%); highest among the groups gnomAD compares: Non-Finnish European, 0.00068%; no homozygotes.

Submission:

Ambry Genetics
Classification: Uncertain significance for Hereditary cancer-predisposing syndrome. Last evaluated: 2024-06-13. Review status: criteria provided, single submitter. Criteria: Ambry Variant Classification Scheme 2023. Collection method: clinical testing. Allele origin: germline.
Comment: The p.H293N variant (also known as c.877C>A), located in coding exon 5 of the MSH3 gene, results from a C to A substitution at nucleotide position 877. The histidine at codon 293 is replaced by asparagine, an amino acid with similar properties. This amino acid position is conserved. In addition, the in silico prediction for this alteration is inconclusive. Based on the available evidence, the clinical significance of this variant remains unclear.